The following is an entry in ClinVar:

ClinVar aggregate classification (germline): Pathogenic (1 of 4 stars; one submission).

Conditions:
Inborn genetic diseases. Identifiers: MedGen C0950123, MeSH D030342.

Submission:

Ambry Genetics
Classification: Pathogenic for Inborn genetic diseases. Last evaluated: 2024-09-11. Review status: criteria provided, single submitter. Criteria: Ambry Variant Classification Scheme 2023. Collection method: clinical testing. Allele origin: germline.
Comment: The c.6097C>T (p.R2033*) alteration, located in exon 11 (coding exon 10) of the SRRM2 gene, consists of a C to T substitution at nucleotide position 6097. This changes the amino acid from an arginine (R) to a stop codon at amino acid position 2033. This alteration is expected to result in loss of function by premature protein truncation or nonsense-mediated mRNA decay. This variant was not reported in population-based cohorts in the Genome Aggregation Database (gnomAD). Based on the available evidence, this alteration is classified as pathogenic.

NM_016333.4(SRRM2):c.6097C>T (p.Arg2033Ter)

Gene: SRRM2 (serine/arginine repetitive matrix 2; plus strand). Cytogenetic location: 16p13.3.
Variant type: single nucleotide variant.
Coding change: c.6097C>T on transcript NM_016333.4 (MANE Select); coding-DNA position 6097, C replaced by T.
Protein change: p.Arg2033Ter; replaces arginine 2033 with a stop codon.
Molecular consequence: nonsense.
Genome position (GRCh38, 1-based): chr16:2,766,625, C>T. VCF-style: chr16-2766625-C-T. GRCh37 (hg19) VCF-style: chr16-2816626-C-T.
Other names: short protein forms R2033*.
Identifiers: ClinVar variation 3449536 (VCV003449536.1).